The following is an entry in ClinVar:

NR_023344.2(RNU6ATAC):n.36T>G

Gene: RNU6ATAC (RNA, U6atac small nuclear; minus strand). Cytogenetic location: 9q34.2.
Variant type: single nucleotide variant.
Molecular consequence: non-coding transcript variant (on NR_023344.2).
Genome position: GRCh38 VCF-style: chr9-134164529-A-C. GRCh37 (hg19) VCF-style: chr9-137029651-A-C.
Identifiers: ClinVar variation 4683135 (VCV004683135.1).

ClinVar aggregate classification (germline): Uncertain significance (1 of 4 stars; one submission).

Conditions:
RNU6ATAC spectrum disorder.

Submission:

Undiagnosed Diseases Network, NIH
Classification: Uncertain significance for RNU6ATAC spectrum disorder. Last evaluated: 2026-01-08. Review status: criteria provided, single submitter. Criteria: ACMG Guidelines, 2015. Collection method: clinical testing. Allele origin: paternal. Inheritance: Autosomal recessive inheritance. Affected: yes. Observed: 1 variant allele, 1 compound heterozygote. Study: Undiagnosed Diseases Network (NIH), UDN.
Comment: The heterozygous n.36T>G variant in RNU6ATAC was identified in the compound heterozygous state along with the n.28C>T variant in one individual with RNU6ATAC spectrum disorder (PMID: 39802771). This variant is absent in the Genome Aggregation Database (gnomAD). This variant has not been previously reported in ClinVar. RNAseq analysis performed on affected tissue shows a signature of significant minor intron retention events in minor intron-containing genes (MIGs) (PMID: 39802771). However, these types of assays may not accurately represent biological function. The n.36T>G variant disrupts a conserved uridine in the U6atac stem II region, potentially destabilizing its structure (PMID: 39802771, 26522830).

Literature cited by the submitters: PubMed 39802771; PubMed 26522830.